The following is an entry in ClinVar:

ClinVar aggregate classification (germline): Uncertain significance (1 of 4 stars; one submission).

Allele frequency attached by ClinVar (database versions not stated): gnomAD exomes below 0.00001; ExAC 0.00001.
gnomAD v4.1: 2 of 1,596,694 alleles (0.00013%); highest among the groups gnomAD compares: East Asian, 0.0022%; no homozygotes.

Submission:

Center for Genomics, Ann and Robert H. Lurie Children's Hospital of Chicago
Classification: Uncertain significance. Last evaluated: 2022-10-28. Review status: criteria provided, single submitter. Criteria: ACMG Guidelines, 2015. Collection method: clinical testing. Allele origin: germline.
Comment: This variant has not been reported in the literature but is present in the Genome Aggregation Database (Highest reported MAF 0.005% (1/18338). Of note, this variant is a silent variant and does not change the amino acid, reducing the probability that this variant is disease causing. In summary, data on this variant is insufficient for disease classification. Therefore, the clinical significance of this variant is uncertain.

NM_002692.4(POLE2):c.114A>G (p.Glu38=)

Gene: POLE2 (DNA polymerase epsilon 2, accessory subunit; minus strand). Cytogenetic location: 14q21.3.
Variant type: single nucleotide variant.
Coding change: c.114A>G on transcript NM_002692.4 (MANE Select); coding-DNA position 114, A replaced by G.
Protein change: p.Glu38=; no amino-acid change (glutamic acid 38 retained).
Molecular consequence: synonymous variant. On other transcripts: 5 prime UTR variant (1).
Genome position (GRCh38, 1-based): chr14:49,683,648, T>C on the plus strand (A>G on the coding strand, the complement: POLE2 is on the minus strand). VCF-style: chr14-49683648-T-C. GRCh37 (hg19) VCF-style: chr14-50150366-T-C.
Other names: c.114A>G, p.Glu38= (NM_001197330.2, NM_001197331.3, NM_001348384.2); c.-122A>G (NM_001348385.2).
Identifiers: ClinVar variation 2501733 (VCV002501733.1), dbSNP rs767251875, ClinGen allele CA7173741.